The following is an entry in ClinVar:

ClinVar aggregate classification (germline): Uncertain significance (1 of 4 stars; one submission).

Submission:

Labcorp Genetics (formerly Invitae), Labcorp
Classification: Uncertain significance. Last evaluated: 2023-02-25. Review status: criteria provided, single submitter. Criteria: Invitae Variant Classification Sherloc (09022015). Collection method: clinical testing. Allele origin: germline.
Comment: In summary, the available evidence is currently insufficient to determine the role of this variant in disease. Therefore, it has been classified as a Variant of Uncertain Significance. An algorithm developed to predict the effect of missense changes on protein structure and function (PolyPhen-2) suggests that this variant is likely to be disruptive. This variant has not been reported in the literature in individuals affected with DRP2-related conditions. This variant is not present in population databases (gnomAD no frequency). This sequence change replaces proline, which is neutral and non-polar, with threonine, which is neutral and polar, at codon 659 of the DRP2 protein (p.Pro659Thr).

NM_001939.3(DRP2):c.1975C>A (p.Pro659Thr)

Gene: DRP2 (dystrophin related protein 2; plus strand). Cytogenetic location: Xq22.1.
Variant type: single nucleotide variant.
Coding change: c.1975C>A on transcript NM_001939.3 (MANE Select); coding-DNA position 1975, C replaced by A.
Protein change: p.Pro659Thr; replaces proline 659 with threonine.
Molecular consequence: missense variant.
Genome position (GRCh38, 1-based): chrX:101,252,714, C>A. VCF-style: chrX-101252714-C-A. GRCh37 (hg19) VCF-style: chrX-100507703-C-A.
Other names: c.1741C>A, p.Pro581Thr (NM_001171184.2); short protein forms P659T, P581T.
Identifiers: ClinVar variation 2840336 (VCV002840336.3), dbSNP rs2520284666, ClinGen allele CA413933639.
Genomic context (GRCh38, chrX:101,252,714, plus strand): 5'-TTGACAGGCAGGGCCAGCAAAGGCAATAAGCTGCACTACCCCATCATGGAGTATTACACA[C>A]CGGTATGAAGCCTCCAGGCTGGGTGGGAGGGTTAGGCAGCTCTCAGGTACTAGGCCTTGA-3'
Protein context (NP_001930.2, residues 649-669): LHYPIMEYYT[Pro659Thr]TTSSENMRDF